The following is an entry in ClinVar:

NM_020117.11(LARS1):c.904C>T (p.Gln302Ter)

Gene: LARS1 (leucyl-tRNA synthetase 1; minus strand). Cytogenetic location: 5q32.
Variant type: single nucleotide variant.
Coding change: c.904C>T on transcript NM_020117.11 (MANE Select); coding-DNA position 904, C replaced by T.
Protein change: p.Gln302Ter; replaces glutamine 302 with a stop codon.
Molecular consequence: nonsense.
Genome position (GRCh38, 1-based): chr5:146,157,564, G>A on the plus strand (C>T on the coding strand, the complement: LARS1 is on the minus strand). VCF-style: chr5-146157564-G-A. GRCh37 (hg19) VCF-style: chr5-145537127-G-A.
Other names: c.766C>T, p.Gln256Ter (NM_001317964.2); c.742C>T, p.Gln248Ter (NM_001317965.2); c.823C>T, p.Gln275Ter (NM_016460.4); short protein forms Q248*, Q256*, Q275*, Q302*.
Identifiers: ClinVar variation 4734755 (VCV004734755.1).
Genomic context (GRCh38, chr5:146,157,564, plus strand): 5'-CACCATTCACCGTCTCAAATCCAATGTACTTCATATCAGGACGAACCCAACAATTTGTCT[G>A]CCCAAACATGGTCTCAGGTCTGAGAGTAGCAGCCACCAAGAAAATATTTTTACCTTTCAG-3'

ClinVar aggregate classification (germline): Pathogenic (1 of 4 stars; one submission).

Submission:

Labcorp Genetics (formerly Invitae), Labcorp
Classification: Pathogenic. Last evaluated: 2026-01-05. Review status: criteria provided, single submitter. Criteria: Invitae Variant Classification Sherloc (09022015). Collection method: clinical testing. Allele origin: germline.
Comment: This sequence change creates a premature translational stop signal (p.Gln302*) in the LARS gene. It is expected to result in an absent or disrupted protein product. Loss-of-function variants in LARS are known to be pathogenic (PMID: 32699352, 33300650). This variant is not present in population databases (gnomAD no frequency). This variant has not been reported in the literature in individuals affected with LARS-related conditions. For these reasons, this variant has been classified as Pathogenic.

Literature cited by the submitters: PubMed 32699352; PubMed 33300650.